The following is an entry in ClinVar:

NM_006662.3(SRCAP):c.6192C>G (p.Ile2064Met)

Gene: SRCAP (Snf2 related CREBBP activator protein; plus strand). Cytogenetic location: 16p11.2.
Variant type: single nucleotide variant.
Coding change: c.6192C>G on transcript NM_006662.3 (MANE Select); coding-DNA position 6192, C replaced by G.
Protein change: p.Ile2064Met; replaces isoleucine 2064 with methionine.
Molecular consequence: missense variant.
Genome position (GRCh38, 1-based): chr16:30,733,344, C>G. VCF-style: chr16-30733344-C-G. GRCh37 (hg19) VCF-style: chr16-30744665-C-G.
Other names: short protein forms I2064M.
Identifiers: ClinVar variation 2632019 (VCV002632019.4), dbSNP rs767510429, ClinGen allele CA8012183.

ClinVar aggregate classification (germline): Conflicting classifications of pathogenicity. Review status: criteria provided, conflicting classifications (1 of 4 stars). 4 submissions from 4 submitters: Uncertain significance (3); Likely benign (1). Last evaluated 2025-03-22.

Conditions:
Inborn genetic diseases. Identifiers: MedGen C0950123, MeSH D030342.
Developmental delay, hypotonia, musculoskeletal defects, and behavioral abnormalities. Identifiers: MedGen C5562012, MONDO:0859202, OMIM 619595.
Floating-Harbor syndrome (FLHS). Also called: Short stature with delayed bone age, expressive language delay, a triangular face with a prominent nose and deep-set eyes; Pelletier-Leisti syndrome; SRCAP-Related Floating-Harbor Syndrome. Identifiers: Orphanet 2044, MedGen C0729582, MONDO:0007621, OMIM 136140.
SRCAP-related disorder. Also called: SRCAP-related condition.

Allele frequency attached by ClinVar (database versions not stated): ExAC 0.00002; gnomAD exomes 0.00002.
gnomAD v4.1: 10 of 1,614,182 alleles (0.00062%); highest among the groups gnomAD compares: Non-Finnish European, 0.00085%; no homozygotes.

Submissions (4):

Ambry Genetics
Classification: Uncertain significance for Inborn genetic diseases. Last evaluated: 2025-03-22. Review status: criteria provided, single submitter. Criteria: Ambry Variant Classification Scheme 2023. Collection method: clinical testing. Allele origin: germline.

Fulgent Genetics
Classification: Uncertain significance for Floating-Harbor syndrome; Developmental delay, hypotonia, musculoskeletal defects, and behavioral abnormalities. Last evaluated: 2024-04-15. Review status: criteria provided, single submitter. Criteria: ACMG Guidelines, 2015. Collection method: clinical testing. Allele origin: germline.

Blueprint Genetics
Classification: Likely benign. Last evaluated: 2024-02-07. Review status: criteria provided, single submitter. Criteria: ACMG Guidelines, 2015. Collection method: clinical testing. Allele origin: germline.

PreventionGenetics, part of Exact Sciences
Classification: Uncertain significance for SRCAP-related condition. Last evaluated: 2023-07-17. Review status: criteria provided, single submitter. Criteria: ACMG Guidelines, 2015. Collection method: clinical testing. Allele origin: germline.
Comment: The SRCAP c.6192C>G variant is predicted to result in the amino acid substitution p.Ile2064Met. To our knowledge, this variant has not been reported in the literature. This variant is reported in 0.0026% of alleles in individuals of European (Non-Finnish) descent in gnomAD. At this time, the clinical significance of this variant is uncertain due to the absence of conclusive functional and genetic evidence.